The following is an entry in ClinVar:

NM_001377.3(DYNC2H1):c.10088A>G (p.Asn3363Ser)

Gene: DYNC2H1 (dynein cytoplasmic 2 heavy chain 1; plus strand). Cytogenetic location: 11q22.3.
Variant type: single nucleotide variant.
Coding change: c.10088A>G on transcript NM_001377.3 (MANE Select); coding-DNA position 10088, A replaced by G.
Protein change: p.Asn3363Ser; replaces asparagine 3363 with serine.
Molecular consequence: missense variant.
Genome position (GRCh38, 1-based): chr11:103,253,330, A>G. VCF-style: chr11-103253330-A-G. GRCh37 (hg19) VCF-style: chr11-103124059-A-G.
Other names: c.10109A>G, p.Asn3370Ser (NM_001080463.2); short protein forms N3363S, N3370S.
Identifiers: ClinVar variation 2070781 (VCV002070781.3), dbSNP rs771025541, ClinGen allele CA6254886.

ClinVar aggregate classification (germline): Uncertain significance (1 of 4 stars; one submission).

Conditions:
Jeune thoracic dystrophy. Also called: Jeune syndrome; Infantile thoracic dystrophy; Thoracic pelvic phalangeal dystrophy; Jeune's syndrome; Chondroectodermal dysplasia-like syndrome; Short-rib thoracic dysplasia. Identifiers: Orphanet 474, MedGen C0265275, MONDO:0018770.

Allele frequency attached by ClinVar (database versions not stated): gnomAD exomes below 0.00001; ExAC 0.00001; TOPMed 0.00001.
gnomAD v4.1: 3 of 1,613,376 alleles (0.00019%); highest among the groups gnomAD compares: South Asian, 0.0011%; no homozygotes.

Submission:

Labcorp Genetics (formerly Invitae), Labcorp
Classification: Uncertain significance for Jeune thoracic dystrophy. Last evaluated: 2024-02-24. Review status: criteria provided, single submitter. Criteria: Invitae Variant Classification Sherloc (09022015). Collection method: clinical testing. Allele origin: germline.
Comment: This sequence change replaces asparagine, which is neutral and polar, with serine, which is neutral and polar, at codon 3370 of the DYNC2H1 protein (p.Asn3370Ser). This variant is present in population databases (rs771025541, gnomAD 0.003%). This variant has not been reported in the literature in individuals affected with DYNC2H1-related conditions. ClinVar contains an entry for this variant (Variation ID: 2070781). Advanced modeling of protein sequence and biophysical properties (such as structural, functional, and spatial information, amino acid conservation, physicochemical variation, residue mobility, and thermodynamic stability) has been performed at Invitae for this missense variant, however the output from this modeling did not meet the statistical confidence thresholds required to predict the impact of this variant on DYNC2H1 protein function. In summary, the available evidence is currently insufficient to determine the role of this variant in disease. Therefore, it has been classified as a Variant of Uncertain Significance.